The following is an entry in ClinVar:

NM_052947.4(ALPK2):c.2585T>C (p.Val862Ala)

Gene: ALPK2 (alpha kinase 2; minus strand). Cytogenetic location: 18q21.31.
Variant type: single nucleotide variant.
Coding change: c.2585T>C on transcript NM_052947.4 (MANE Select); coding-DNA position 2585, T replaced by C.
Protein change: p.Val862Ala; replaces valine 862 with alanine.
Molecular consequence: missense variant.
Genome position (GRCh38, 1-based): chr18:58,537,602, A>G on the plus strand (T>C on the coding strand, the complement: ALPK2 is on the minus strand). VCF-style: chr18-58537602-A-G. GRCh37 (hg19) VCF-style: chr18-56204834-A-G.
Other names: short protein forms V862A.
Identifiers: ClinVar variation 3289929 (VCV003289929.1).

ClinVar aggregate classification (germline): Uncertain significance (1 of 4 stars; one submission).

gnomAD v4.1: 1 of 1,613,712 alleles (0.000062%); highest among the groups gnomAD compares: Non-Finnish European, 0.000085%; no homozygotes.

Submission:

Ambry Genetics
Classification: Uncertain significance. Last evaluated: 2024-04-04. Review status: criteria provided, single submitter. Criteria: Ambry Variant Classification Scheme 2023. Collection method: clinical testing. Allele origin: germline.
Comment: The p.V862A variant (also known as c.2585T>C), located in coding exon 4 of the ALPK2 gene, results from a T to C substitution at nucleotide position 2585. The valine at codon 862 is replaced by alanine, an amino acid with similar properties. This amino acid position is conserved. In addition, this alteration is predicted to be tolerated by in silico analysis. Based on the available evidence, the clinical significance of this variant remains unclear.